The following is an entry in ClinVar:

NM_000093.5(COL5A1):c.19_40del (p.Trp7fs)

Gene: COL5A1 (collagen type V alpha 1 chain; plus strand). Cytogenetic location: 9q34.3.
Variant type: Deletion.
Coding change: c.19_40del on transcript NM_000093.5 (MANE Select); coding-DNA positions 19 to 40, 22 bases deleted (TGGAAAGCGCGCAGCGCGCTCC).
Protein change: p.Trp7fs; shifts the reading frame from tryptophan 7.
Molecular consequence: frameshift variant.
Genome position (GRCh38, 1-based): chr9:134,642,206-134,642,227, TGGAAAGCGCGCAGCGCGCTCC deleted; deleting any 22 consecutive bases within chr9:134,642,205-134,642,227 gives the same sequence; the c. name uses the placement nearest the transcript's 3' end. VCF-style (leftmost placement, unchanged base first): chr9-134642204-GCTGGAAAGCGCGCAGCGCGCTC-G. GRCh37 (hg19) VCF-style: chr9-137534050-GCTGGAAAGCGCGCAGCGCGCTC-G.
Other names: c.19_40del, p.Trp7fs (NM_001278074.1); short protein forms W7fs.
Identifiers: ClinVar variation 3725100 (VCV003725100.2).

ClinVar aggregate classification (germline): Pathogenic (1 of 4 stars; one submission).

Conditions:
Ehlers-Danlos syndrome, classic type, 1 (EDSCL1). Also called: EHLERS-DANLOS SYNDROME, GRAVIS TYPE; EHLERS-DANLOS SYNDROME, SEVERE CLASSIC TYPE; Ehlers-Danlos syndrome, type 1; Ehlers-Danlos Syndrome, Classic Type, COL5A1-Related; EDS I. Identifiers: MedGen C0268335, MONDO:0019567, OMIM 130000.

Submission:

Labcorp Genetics (formerly Invitae), Labcorp
Classification: Pathogenic for Ehlers-Danlos syndrome, classic type, 1. Last evaluated: 2024-11-12. Review status: criteria provided, single submitter. Criteria: Invitae Variant Classification Sherloc (09022015). Collection method: clinical testing. Allele origin: germline.
Comment: This sequence change creates a premature translational stop signal (p.Trp7Alafs*30) in the COL5A1 gene. It is expected to result in an absent or disrupted protein product. Loss-of-function variants in COL5A1 are known to be pathogenic (PMID: 23587214). This variant is not present in population databases (gnomAD no frequency). This variant has not been reported in the literature in individuals affected with COL5A1-related conditions. For these reasons, this variant has been classified as Pathogenic.

Literature cited by the submitters: PubMed 23587214.